The following is an entry in ClinVar:

ClinVar aggregate classification (germline): Uncertain significance (1 of 4 stars; one submission).

Submission:

Labcorp Genetics (formerly Invitae), Labcorp
Classification: Uncertain significance. Last evaluated: 2022-01-21. Review status: criteria provided, single submitter. Criteria: Invitae Variant Classification Sherloc (09022015). Collection method: clinical testing. Allele origin: germline.
Comment: In summary, the available evidence is currently insufficient to determine the role of this variant in disease. Therefore, it has been classified as a Variant of Uncertain Significance. This variant has not been reported in the literature in individuals affected with TMEM230-related conditions. This variant results in the deletion of part of exon 4 (c.289-848_402del) of the TMEM230 gene. It is expected to disrupt RNA splicing. Variants that disrupt the donor or acceptor splice site typically lead to a loss of protein function (PMID: 16199547), however the current clinical and genetic evidence is not sufficient to establish whether loss-of-function variants in TMEM230 cause disease. This variant is not present in population databases (gnomAD no frequency).

Literature cited by the submitters: PubMed 16199547.

NM_001009925.2(TMEM230):c.100-848_213del

Gene: TMEM230 (transmembrane protein 230; minus strand). Cytogenetic location: 20p12.3.
Variant type: Deletion.
Coding change: c.100-848_213del on transcript NM_001009925.2 (MANE Select); 848 bases into the intron before coding-DNA position 100 through coding-DNA position 213, 962 bases deleted.
Molecular consequence: splice acceptor variant.
Genome position (GRCh38, 1-based): chr20:5,106,197-5,107,158, 962 bases deleted. GRCh37 (hg19): chr20:5,086,844-5,087,805.
Other names: c.100-848_213del (NM_001330987.2, NM_001423980.1, NM_001330986.2 and 4 more transcripts).
Identifiers: ClinVar variation 2088969 (VCV002088969.4), dbSNP rs2515007340, ClinGen allele CA2580098009.